The following is an entry in ClinVar:

ClinVar aggregate classification (germline): Benign. Review status: criteria provided, multiple submitters, no conflicts (2 of 4 stars). 4 submissions from 4 submitters: Benign (4). Last evaluated 2024-11-28.

Conditions:
Osteogenesis imperfecta type 6. Also called: Osteogenesis imperfecta, type VI. Identifiers: Orphanet 666, MedGen C3279564, MONDO:0013515, OMIM 613982.

Allele frequency attached by ClinVar (database versions not stated): ESP Exome Variant Server 0.75311; gnomAD 0.75353 and 0.75763; 1000 Genomes Project 0.75799; 1000 Genomes Project 30x 0.75968; TOPMed 0.76052.
gnomAD v4.1: 1,141,670 of 1,592,992 alleles (72%); highest among the groups gnomAD compares: African/African-American, 85%; 411,146 homozygotes.

Submissions (4):

Blueprint Genetics
Classification: Benign. Last evaluated: 2024-11-28. Review status: criteria provided, single submitter. Criteria: ACMG Guidelines, 2015. Collection method: clinical testing. Allele origin: germline.

GeneDx
Classification: Benign. Last evaluated: 2018-06-19. Review status: criteria provided, single submitter. Criteria: GeneDx Variant Classification (06012015). Collection method: clinical testing. Allele origin: germline. Affected: yes.
Comment: This variant is considered likely benign or benign based on one or more of the following criteria: it is a conservative change, it occurs at a poorly conserved position in the protein, it is predicted to be benign by multiple in silico algorithms, and/or has population frequency not consistent with disease.

Breakthrough Genomics
Classification: Benign. Review status: criteria provided, single submitter. Criteria: ACMG Guidelines, 2015. Collection method: not provided. Allele origin: germline. Inheritance: Autosomal recessive inheritance. Affected: yes.

Medical Molecular Genetics Department, National Research Center
Classification: Benign for Osteogenesis imperfecta, type VI. Review status: criteria provided, single submitter. Criteria: ACMG Guidelines, 2015. Collection method: clinical testing. Allele origin: unknown. Inheritance: Autosomal recessive inheritance. Observed: 6 variant alleles.

NM_002615.7(SERPINF1):c.440-39C>T

Gene: SERPINF1 (serpin family F member 1; plus strand). Cytogenetic location: 17p13.3.
Variant type: single nucleotide variant.
Coding change: c.440-39C>T on transcript NM_002615.7 (MANE Select); 39 bases into the intron before coding-DNA position 440, C replaced by T.
Molecular consequence: intron variant. On other transcripts: 5 prime UTR variant (1).
Genome position (GRCh38, 1-based): chr17:1,771,833, C>T. VCF-style: chr17-1771833-C-T. GRCh37 (hg19) VCF-style: chr17-1675127-C-T.
Other names: c.-161C>T (NM_001329905.2); c.-122-39C>T (NM_001329904.2); c.440-39C>T (NM_001329903.2).
Identifiers: ClinVar variation 674943 (VCV000674943.4), dbSNP rs4274474, ClinGen allele CA8274694.